The following is an entry in ClinVar:

NM_170707.4(LMNA):c.1969-4T>C

Gene: LMNA (lamin A/C; plus strand). Cytogenetic location: 1q22.
Variant type: single nucleotide variant.
Coding change: c.1969-4T>C on transcript NM_170707.4 (MANE Select); 4 bases into the intron before coding-DNA position 1969, T replaced by C.
Molecular consequence: intron variant.
Genome position (GRCh38, 1-based): chr1:156,139,076, T>C. VCF-style: chr1-156139076-T-C. GRCh37 (hg19) VCF-style: chr1-156108867-T-C.
Other names: c.1411-4T>C (NM_001406993.1, NM_001406995.1, NM_001406990.1 and 2 more transcripts); c.1345-4T>C (NM_001406999.1, NM_001407000.1, NM_001406994.1 and 1 more transcripts); c.1726-4T>C (NM_001406986.1, NM_001406987.1); c.1969-4T>C (NM_001406985.1, NM_001406983.1, NM_001406991.1); c.1819-4T>C (NM_001282626.2); c.1879-4T>C (NM_170708.4); c.1633-4T>C (NM_001406989.1, NM_001257374.3); c.1672-4T>C (NM_001406988.1).
Identifiers: ClinVar variation 745278 (VCV000745278.19), dbSNP rs751715969, ClinGen allele CA051906.

ClinVar aggregate classification (germline): Conflicting classifications of pathogenicity. Review status: criteria provided, conflicting classifications (1 of 4 stars). 7 submissions from 7 submitters: Uncertain significance (1); Likely benign (4). 2 of the submissions do not count toward it. Last evaluated 2025-11-27.

Conditions:
Charcot-Marie-Tooth disease. Also called: Charcot-Marie-Tooth Neuropathy; Charcot-Marie-Tooth Hereditary Neuropathy. Identifiers: Orphanet 166, MedGen C0007959, MONDO:0015626.
Primary dilated cardiomyopathy (DCM). Also called: Dilated Cardiomyopathy. Identifiers: Orphanet 217604, MedGen C0007193, MeSH D002311, MONDO:0005021, HP:0001644. Inheritance: Various modes of inheritance.
Cardiomyopathy (CMYO). Also called: Cardiomyopathies. Identifiers: Orphanet 167848, MedGen C0878544, MONDO:0004994, HP:0001638. Inheritance: Various modes of inheritance.
Charcot-Marie-Tooth disease type 2. Also called: Charcot-Marie-Tooth type 2. Identifiers: Orphanet 64746, MedGen C0270914, MONDO:0018993.

Allele frequency attached by ClinVar (database versions not stated): gnomAD exomes 0.00001 and 0.00002; TOPMed below 0.00001; gnomAD 0.00001; ExAC 0.00002.
gnomAD v4.1: 9 of 1,613,766 alleles (0.00056%); highest among the groups gnomAD compares: Non-Finnish European, 0.00076%; no homozygotes.

Submissions (7):

Labcorp Genetics (formerly Invitae), Labcorp
Classification: Likely benign for Charcot-Marie-Tooth disease type 2. Last evaluated: 2025-11-27. Review status: criteria provided, single submitter. Criteria: Invitae Variant Classification Sherloc (09022015). Collection method: clinical testing. Allele origin: germline.

All of Us Research Program, National Institutes of Health
Classification: Uncertain significance for Primary dilated cardiomyopathy. Last evaluated: 2024-03-05. Review status: criteria provided, single submitter. Criteria: ACMG Guidelines, 2015. Collection method: clinical testing. Allele origin: germline. Inheritance: Autosomal dominant inheritance. Observed: 1 variant allele, 1 heterozygote.
Comment: This study involves interpretation of variants in research participants for the purpose of population health screening. Participant phenotype was not available at the time of variant classification. Additional details can be found in publication PMID: 35346344, PMCID: PMC8962531

Blueprint Genetics
Classification: Likely benign. Last evaluated: 2023-04-10. Review status: criteria provided, single submitter. Criteria: ACMG Guidelines, 2015. Collection method: clinical testing. Allele origin: germline.

Color Diagnostics, LLC DBA Color Health
Classification: Likely benign for Cardiomyopathy. Last evaluated: 2020-03-10. Review status: criteria provided, single submitter. Criteria: ACMG Guidelines, 2015. Collection method: clinical testing. Allele origin: germline.

Molecular Genetics Laboratory, London Health Sciences Centre
Classification: Likely benign for Charcot-Marie-Tooth disease. Review status: criteria provided, single submitter. Criteria: ACMG Guidelines, 2015. Collection method: clinical testing. Allele origin: germline. Affected: yes.

Genome Diagnostics Laboratory, University Medical Center Utrecht
Classification: Likely benign. Review status: no assertion criteria provided. Collection method: clinical testing. Allele origin: germline. Affected: yes. Study: VKGL Data-share Consensus. Not counted in ClinVar's aggregate classification.

Joint Genome Diagnostic Labs from Nijmegen and Maastricht, Radboudumc and MUMC+
Classification: Likely benign. Review status: no assertion criteria provided. Collection method: clinical testing. Allele origin: germline. Affected: yes. Study: VKGL Data-share Consensus. Not counted in ClinVar's aggregate classification.